The following is an entry in ClinVar:

ClinVar aggregate classification (germline): Uncertain significance. Review status: criteria provided, multiple submitters, no conflicts (2 of 4 stars). 5 submissions from 5 submitters: Uncertain significance (5). Last evaluated 2025-09-10.

Conditions:
Fanconi anemia (FA). Also called: Fanconi's anemia. Identifiers: Orphanet 84, MedGen C0015625, MeSH D005199, MONDO:0019391.
Fanconi anemia complementation group I (FANCI). Also called: FANCI-Related Fanconi Anemia. Identifiers: Orphanet 84, MedGen C1836861, MONDO:0012186, OMIM 609053.

Allele frequency attached by ClinVar (database versions not stated): ExAC 0.00002; gnomAD exomes 0.00002; TOPMed 0.00008.
gnomAD v4.1: 17 of 1,613,960 alleles (0.0011%); highest among the groups gnomAD compares: African/African-American, 0.017%; no homozygotes.

Submissions (5):

Genomic Medicine Center of Excellence, King Faisal Specialist Hospital and Research Centre
Classification: Uncertain significance for Fanconi anemia complementation group I. Last evaluated: 2025-09-10. Review status: criteria provided, single submitter. Criteria: ACMG Guidelines, 2015. Collection method: clinical testing. Allele origin: germline.

Labcorp Genetics (formerly Invitae), Labcorp
Classification: Uncertain significance for Fanconi anemia. Last evaluated: 2024-10-10. Review status: criteria provided, single submitter. Criteria: Invitae Variant Classification Sherloc (09022015). Collection method: clinical testing. Allele origin: germline.
Comment: This sequence change replaces tyrosine, which is neutral and polar, with serine, which is neutral and polar, at codon 699 of the FANCI protein (p.Tyr699Ser). This variant is present in population databases (rs774148630, gnomAD 0.02%). This variant has not been reported in the literature in individuals affected with FANCI-related conditions. ClinVar contains an entry for this variant (Variation ID: 839233). Invitae Evidence Modeling of protein sequence and biophysical properties (such as structural, functional, and spatial information, amino acid conservation, physicochemical variation, residue mobility, and thermodynamic stability) indicates that this missense variant is not expected to disrupt FANCI protein function with a negative predictive value of 80%. In summary, the available evidence is currently insufficient to determine the role of this variant in disease. Therefore, it has been classified as a Variant of Uncertain Significance.

GeneDx
Classification: Uncertain significance. Last evaluated: 2024-09-23. Review status: criteria provided, single submitter. Criteria: GeneDx Variant Classification Process June 2021. Collection method: clinical testing. Allele origin: germline. Affected: yes.
Comment: In silico analysis indicates that this missense variant does not alter protein structure/function; Has not been previously published as pathogenic or benign to our knowledge

Blueprint Genetics
Classification: Uncertain significance. Last evaluated: 2020-12-03. Review status: criteria provided, single submitter. Criteria: ACMG Guidelines, 2015. Collection method: clinical testing. Allele origin: germline.

Breakthrough Genomics
Classification: Uncertain significance. Review status: criteria provided, single submitter. Criteria: ACMG Guidelines, 2015. Collection method: not provided. Allele origin: germline. Inheritance: Autosomal recessive inheritance. Affected: yes.

NM_001113378.2(FANCI):c.2096A>C (p.Tyr699Ser)

Gene: FANCI (FA complementation group I; plus strand). Cytogenetic location: 15q26.1.
Variant type: single nucleotide variant.
Coding change: c.2096A>C on transcript NM_001113378.2 (MANE Select); coding-DNA position 2096, A replaced by C.
Protein change: p.Tyr699Ser; replaces tyrosine 699 with serine.
Molecular consequence: missense variant.
Genome position (GRCh38, 1-based): chr15:89,292,791, A>C. VCF-style: chr15-89292791-A-C. GRCh37 (hg19) VCF-style: chr15-89836022-A-C.
Other names: c.1817A>C, p.Tyr606Ser (NM_001376910.1); c.2096A>C, p.Tyr699Ser (NM_001376911.1, NM_018193.3); short protein forms Y699S, Y606S.
Identifiers: ClinVar variation 839233 (VCV000839233.10), dbSNP rs774148630, ClinGen allele CA7723278.